The following is an entry in ClinVar:

ClinVar aggregate classification (germline): Uncertain significance (1 of 4 stars; one submission).

Allele frequency attached by ClinVar (database versions not stated): gnomAD 0.00001.
gnomAD v4.1: 14 of 1,589,790 alleles (0.00088%); highest among the groups gnomAD compares: African/African-American, 0.0094%; no homozygotes.

Submission:

Labcorp Genetics (formerly Invitae), Labcorp
Classification: Uncertain significance. Last evaluated: 2022-03-20. Review status: criteria provided, single submitter. Criteria: Invitae Variant Classification Sherloc (09022015). Collection method: clinical testing. Allele origin: germline.
Comment: This sequence change replaces arginine, which is basic and polar, with glutamine, which is neutral and polar, at codon 79 of the RUSC2 protein (p.Arg79Gln). This variant is present in population databases (rs143569329, gnomAD 0.01%). This variant has not been reported in the literature in individuals affected with RUSC2-related conditions. Algorithms developed to predict the effect of missense changes on protein structure and function output the following: SIFT: "Tolerated"; PolyPhen-2: "Benign"; Align-GVGD: "Class C0". The glutamine amino acid residue is found in multiple mammalian species, which suggests that this missense change does not adversely affect protein function. In summary, the available evidence is currently insufficient to determine the role of this variant in disease. Therefore, it has been classified as a Variant of Uncertain Significance.

NM_014806.5(RUSC2):c.236G>A (p.Arg79Gln)

Gene: RUSC2 (RUN and SH3 domain containing 2; plus strand). Cytogenetic location: 9p13.3.
Variant type: single nucleotide variant.
Coding change: c.236G>A on transcript NM_014806.5 (MANE Select); coding-DNA position 236, G replaced by A.
Protein change: p.Arg79Gln; replaces arginine 79 with glutamine.
Molecular consequence: missense variant. On other transcripts: non-coding transcript variant (1), intron variant (1).
Genome position (GRCh38, 1-based): chr9:35,546,757, G>A. VCF-style: chr9-35546757-G-A. GRCh37 (hg19) VCF-style: chr9-35546754-G-A.
Other names: c.236G>A, p.Arg79Gln (NM_001135999.2); c.-620-8303G>A (NM_001330740.2); short protein forms R79Q.
Identifiers: ClinVar variation 1447733 (VCV001447733.3), dbSNP rs143569329, ClinGen allele CA5043423.